The following is an entry in ClinVar:

NM_020964.3(EPG5):c.4559C>T (p.Pro1520Leu)

Gene: EPG5 (ectopic P-granules 5 autophagy tethering factor; minus strand). Cytogenetic location: 18q21.1.
Variant type: single nucleotide variant.
Coding change: c.4559C>T on transcript NM_020964.3 (MANE Select); coding-DNA position 4559, C replaced by T.
Protein change: p.Pro1520Leu; replaces proline 1520 with leucine.
Molecular consequence: missense variant.
Genome position (GRCh38, 1-based): chr18:45,901,083, G>A on the plus strand (C>T on the coding strand, the complement: EPG5 is on the minus strand). VCF-style: chr18-45901083-G-A. GRCh37 (hg19) VCF-style: chr18-43481048-G-A.
Other names: c.4559C>T, p.Pro1520Leu (LRG_1234t1); short protein forms P1520L.
Identifiers: ClinVar variation 466251 (VCV000466251.10), dbSNP rs375867560, ClinGen allele CA8948819.
Genomic context (GRCh38, chr18:45,901,083, plus strand): 5'-TCTGTGCACACCAGCTGGGTGGCGTCCTTCTGACTCAATAGCACAGCAGAGGAAATAACT[G>A]GCACAGGAGGCTTCGTCGGGTGCAGAGCAAGGGGAGGCTGGGGAGCCTCATGCTTCCGCA-3'
Protein context (NP_066015.2, residues 1510-1530): LALHPTKPPV[Pro1520Leu]VISSAVLLSQ

ClinVar aggregate classification (germline): Uncertain significance. Review status: criteria provided, multiple submitters, no conflicts (2 of 4 stars). 2 submissions from 2 submitters: Uncertain significance (2). Last evaluated 2023-07-17.

Conditions:
Vici syndrome (VICIS). Identifiers: Orphanet 1493, MedGen C1855772, MONDO:0009452, OMIM 242840.
Inborn genetic diseases. Identifiers: MedGen C0950123, MeSH D030342.

Allele frequency attached by ClinVar (database versions not stated): TOPMed 0.00004; gnomAD exomes below 0.00001 and 0.00001; ExAC 0.00002; gnomAD 0.00004 and 0.00003; ESP Exome Variant Server 0.00008.
gnomAD v4.1: 7 of 1,614,080 alleles (0.00043%); highest among the groups gnomAD compares: African/African-American, 0.0093%; no homozygotes.

Submissions (2):

Labcorp Genetics (formerly Invitae), Labcorp
Classification: Uncertain significance for Vici syndrome. Last evaluated: 2023-07-17. Review status: criteria provided, single submitter. Criteria: Invitae Variant Classification Sherloc (09022015). Collection method: clinical testing. Allele origin: germline.
Comment: This sequence change replaces proline, which is neutral and non-polar, with leucine, which is neutral and non-polar, at codon 1520 of the EPG5 protein (p.Pro1520Leu). This variant is present in population databases (rs375867560, gnomAD 0.02%). This variant has not been reported in the literature in individuals affected with EPG5-related conditions. ClinVar contains an entry for this variant (Variation ID: 466251). Advanced modeling of protein sequence and biophysical properties (such as structural, functional, and spatial information, amino acid conservation, physicochemical variation, residue mobility, and thermodynamic stability) performed at Invitae indicates that this missense variant is expected to disrupt EPG5 protein function. In summary, the available evidence is currently insufficient to determine the role of this variant in disease. Therefore, it has been classified as a Variant of Uncertain Significance.

Ambry Genetics
Classification: Uncertain significance for Inborn genetic diseases. Last evaluated: 2022-04-14. Review status: criteria provided, single submitter. Criteria: Ambry Variant Classification Scheme 2023. Collection method: clinical testing. Allele origin: germline.